The following is an entry in ClinVar:

ClinVar aggregate classification (germline): Uncertain significance (1 of 4 stars; one submission).

Conditions:
Hereditary sensory and autonomic neuropathy type 6. Also called: HSAN VI; Neuropathy, hereditary sensory and autonomic, type VI. Identifiers: Orphanet 314381, MedGen C3539003, MONDO:0013839, OMIM 614653.
Epidermolysis bullosa simplex 3, localized or generalized intermediate, with BP230 deficiency (EBS3). Also called: Epidermolysis bullosa simplex, autosomal recessive 2; Epidermolysis bullosa simplex due to BP230 deficiency. Identifiers: Orphanet 412181, MedGen C3809470, MONDO:0014180, OMIM 615425.

Allele frequency attached by ClinVar (database versions not stated): gnomAD exomes 0.00002.
gnomAD v4.1: 33 of 1,586,844 alleles (0.0021%); highest among the groups gnomAD compares: Non-Finnish European, 0.0027%; no homozygotes.

Submission:

Labcorp Genetics (formerly Invitae), Labcorp
Classification: Uncertain significance for Epidermolysis bullosa simplex 3, localized or generalized intermediate, with BP230 deficiency; Hereditary sensory and autonomic neuropathy type 6. Last evaluated: 2023-04-10. Review status: criteria provided, single submitter. Criteria: Invitae Variant Classification Sherloc (09022015). Collection method: clinical testing. Allele origin: germline.
Comment: In summary, the available evidence is currently insufficient to determine the role of this variant in disease. Therefore, it has been classified as a Variant of Uncertain Significance. Experimental studies and prediction algorithms are not available or were not evaluated, and the functional significance of this variant is currently unknown. This variant has not been reported in the literature in individuals affected with DST-related conditions. This variant is not present in population databases (gnomAD no frequency). This sequence change replaces asparagine, which is neutral and polar, with serine, which is neutral and polar, at codon 3254 of the DST protein (p.Asn3254Ser). The DST gene has multiple clinically relevant transcripts. This variant occurs in alternate transcript NM_015548.4, and corresponds to NM_001723.5:c.*86626A>G in the primary transcript.

NM_001374736.1(DST):c.17630A>G (p.Asn5877Ser)

Gene: DST (dystonin; minus strand). Cytogenetic location: 6p12.1.
Variant type: single nucleotide variant.
Coding change: c.17630A>G on transcript NM_001374736.1 (MANE Select); coding-DNA position 17630, A replaced by G.
Protein change: p.Asn5877Ser; replaces asparagine 5877 with serine.
Molecular consequence: missense variant.
Genome position (GRCh38, 1-based): chr6:56,528,891, T>C on the plus strand (A>G on the coding strand, the complement: DST is on the minus strand). VCF-style: chr6-56528891-T-C. GRCh37 (hg19) VCF-style: chr6-56393689-T-C.
Other names: c.11273A>G, p.Asn3758Ser (NM_001144769.5); c.10859A>G, p.Asn3620Ser (NM_001144770.2); c.17630A>G, p.Asn5877Ser (NM_001374722.1); c.16670A>G, p.Asn5557Ser (NM_001374729.1); c.10412A>G, p.Asn3471Ser (NM_001374730.1); c.17657A>G, p.Asn5886Ser (NM_001374734.1); c.10739A>G, p.Asn3580Ser (NM_001386100.1, NM_183380.4); c.9761A>G, p.Asn3254Ser (NM_015548.5); short protein forms N3471S, N3254S, N5557S, N5886S, N3620S, N3758S, N3580S, N5877S.
Identifiers: ClinVar variation 2926932 (VCV002926932.2), dbSNP rs2534814301, ClinGen allele CA364507416.